The following is an entry in ClinVar:

NM_000152.5(GAA):c.1418del (p.Gly473fs)

Gene: GAA (alpha glucosidase; plus strand). Cytogenetic location: 17q25.3.
Variant type: Deletion.
Coding change: c.1418del on transcript NM_000152.5 (MANE Select); coding-DNA position 1418, one base deleted (G; older notation c.1418delG).
Protein change: p.Gly473fs; shifts the reading frame from glycine 473.
Molecular consequence: frameshift variant.
Genome position (GRCh38, 1-based): chr17:80,110,036, G deleted; the last of 2 consecutive G bases (chr17:80,110,035-80,110,036); deleting either gives the same sequence. VCF-style (leftmost placement, unchanged base first): chr17-80110034-CG-C. GRCh37 (hg19) VCF-style: chr17-78083833-CG-C.
Other names: c.1418del, p.Gly473fs (NM_001079803.3, NM_001079804.3, NM_001406741.1 and 1 more transcripts); short protein forms G473fs.
Identifiers: ClinVar variation 5015896 (VCV005015896.1).
Genomic context (GRCh38, chr17:80,110,034, plus strand): 5'-CGGGAGCTACAGGCCCTACGACGAGGGTCTGCGGAGGGGGGTTTTCATCACCAACGAGAC[CG>C]GCCAGCCGCTGATTGGGAAGGTAGGGCGAGGGTCCAGGGGACGGGGGTTAGAAAGCAGAG-3'

ClinVar aggregate classification (germline): Pathogenic (1 of 4 stars; one submission).

Conditions:
Glycogen storage disease, type II (IOPD). Also called: CARDIOMEGALIA GLYCOGENICA DIFFUSA; GLYCOGENOSIS, GENERALIZED, CARDIAC FORM; GSD II; Glycogen storage disease type 2; Acid maltase deficiency disease; Aglucosidase alfa. Identifiers: Orphanet 365, MedGen C0017921, MONDO:0009290, OMIM 232300.

Submission:

Myriad Genetics, Inc.
Classification: Pathogenic for Glycogen storage disease, type II. Last evaluated: 2026-05-10. Review status: criteria provided, single submitter. Criteria: Myriad Autosomal Dominant, Autosomal Recessive and X-Linked Classification Criteria (2023). Collection method: clinical testing. Allele origin: unknown.
Comment: NM_000152.3(GAA):c.1418delG(G473Afs*4) is expected to be pathogenic in the context of Pompe disease. This variant is predicted to lead to an abnormal or absent protein product due to the creation of a premature termination codon in GAA, a gene where loss-of-function variants are known to be pathogenic. Please note: this variant was assessed in the context of healthy population screening.